The following is an entry in ClinVar:

ClinVar aggregate classification (germline): Likely pathogenic (1 of 4 stars; one submission).

Conditions:
Retinitis pigmentosa 25 (RP25). Identifiers: Orphanet 791, MedGen C1864446, MONDO:0011272, OMIM 602772.

Submission:

Natera, Inc.
Classification: Likely pathogenic for Retinitis pigmentosa type 25. Last evaluated: 2025-12-31. Review status: criteria provided, single submitter. Criteria: Natera Variant Classification Schema (03/2026). Collection method: clinical testing. Allele origin: germline.
Comment: The c.5890dup variant in EYS is a frameshift variant predicted to shift the reading frame beginning at codon 1964 and leads to a stop codon 20 codons downstream. This variant is expected to result in nonsense mediated decay, truncation, or a dysfunctional protein product. This variant is rare in the general population with a frequency below the threshold expected for the associated phenotype(s). Given the available evidence, this variant is classified as Likely Pathogenic.

NM_001142800.2(EYS):c.5890dup (p.Arg1964fs)

Gene: EYS (EGF-like photoreceptor maintenance factor; minus strand). Cytogenetic location: 6q12.
Variant type: Duplication.
Coding change: c.5890dup on transcript NM_001142800.2 (MANE Select); coding-DNA position 5890, one base duplicated (A; older notation c.5890dupA).
Protein change: p.Arg1964fs; shifts the reading frame from arginine 1964.
Molecular consequence: frameshift variant.
Genome position (GRCh38, 1-based): chr6:64,436,211, T duplicated on the plus strand (A on the coding strand, the reverse complement: EYS is on the minus strand). VCF-style (leftmost placement, unchanged base first): chr6-64436210-C-CT. GRCh37 (hg19) VCF-style: chr6-65146103-C-CT.
Other names: c.5890dup, p.Arg1964fs (NM_001292009.2); short protein forms R1964fs.
Identifiers: ClinVar variation 4814650 (VCV004814650.1).